The following is an entry in ClinVar:

NM_000059.4(BRCA2):c.6440A>G (p.His2147Arg)

Gene: BRCA2 (BRCA2 DNA repair associated; plus strand). Cytogenetic location: 13q13.1.
Variant type: single nucleotide variant.
Coding change: c.6440A>G on transcript NM_000059.4 (MANE Select); coding-DNA position 6440, A replaced by G.
Protein change: p.His2147Arg; replaces histidine 2147 with arginine.
Molecular consequence: missense variant.
Genome position (GRCh38, 1-based): chr13:32,340,795, A>G. VCF-style: chr13-32340795-A-G. GRCh37 (hg19) VCF-style: chr13-32914932-A-G.
Other names: c.6440A>G, p.His2147Arg (NM_001406719.1, NM_001406720.1); short protein forms H2147R.
Identifiers: ClinVar variation 2101746 (VCV002101746.11), dbSNP rs2072555628, ClinGen allele CA387789311.

ClinVar aggregate classification (germline): Conflicting classifications of pathogenicity. Review status: criteria provided, conflicting classifications (1 of 4 stars). 7 submissions from 7 submitters: Uncertain significance (6); Likely benign (1). Last evaluated 2025-03-22.

Conditions:
Hereditary cancer-predisposing syndrome. Also called: Hereditary Cancer Syndrome; Tumor predisposition; Neoplastic Syndromes, Hereditary; Hereditary neoplastic syndrome. Identifiers: Orphanet 140162, MedGen C0027672, MeSH D009386, MONDO:0015356.
BRCA2-related cancer predisposition. Identifiers: MedGen CN377758, MONDO:0700269.
Familial cancer of breast. Also called: Hereditary breast cancer; BREAST CANCER, FAMILIAL; hereditary breast carcinoma. Identifiers: Orphanet 227535, MedGen C0346153, MONDO:0016419, OMIM 114480. Disease mechanism: loss of function.
Breast-ovarian cancer, familial, susceptibility to, 2 (BROVCA2). Also called: BRCA2 Hereditary Breast and Ovarian Cancer. Identifiers: Orphanet 145, MedGen C2675520, MONDO:0012933, OMIM 612555. Disease mechanism: loss of function.
Hereditary breast ovarian cancer syndrome. Also called: Hereditary breast and ovarian cancer; Hereditary breast and/or ovarian cancer syndrome; Breast and ovarian cancer; Hereditary breast and ovarian cancer syndrome; Hereditary breast and ovarian cancer syndrome (HBOC); BRCA1- and BRCA2-Associated Hereditary Breast and Ovarian Cancer. Identifiers: Orphanet 145, MedGen C0677776, MeSH D061325, MONDO:0003582. Disease mechanism: loss of function.

Allele frequency attached by ClinVar (database versions not stated): gnomAD exomes below 0.00001; TOPMed below 0.00001; gnomAD 0.00001.
gnomAD v4.1: 2 of 1,592,678 alleles (0.00013%); highest among the groups gnomAD compares: Admixed American, 0.0019%; no homozygotes.

Submissions (7):

Women's Health and Genetics/Laboratory Corporation of America, LabCorp
Classification: Uncertain significance. Last evaluated: 2025-03-22. Review status: criteria provided, single submitter. Criteria: LabCorp Variant Classification Summary - May 2015. Collection method: clinical testing. Allele origin: germline.

GeneDx
Classification: Uncertain significance. Last evaluated: 2024-12-23. Review status: criteria provided, single submitter. Criteria: GeneDx Variant Classification Process June 2021. Collection method: clinical testing. Allele origin: germline. Affected: yes.
Comment: Not observed at significant frequency in large population cohorts (gnomAD); In silico analysis indicates that this missense variant does not alter protein structure/function; Has not been previously published as pathogenic or benign to our knowledge; Also known as 6668A>G

All of Us Research Program, National Institutes of Health
Classification: Uncertain significance for BRCA2-related cancer predisposition. Last evaluated: 2024-07-20. Review status: criteria provided, single submitter. Criteria: ACMG Guidelines, 2015. Collection method: clinical testing. Allele origin: germline. Inheritance: Autosomal dominant inheritance. Observed: 1 variant allele, 1 heterozygote.
Comment: This missense variant replaces histidine with arginine at codon 2147 of the BRCA2 protein. Computational prediction suggests that this variant may not impact protein structure and function (internally defined REVEL score threshold <= 0.5, PMID: 27666373). To our knowledge, functional studies have not been reported for this variant. This variant has not been reported in individuals affected with hereditary cancer in the literature. This variant has not been identified in the general population by the Genome Aggregation Database (gnomAD). The available evidence is insufficient to determine the role of this variant in disease conclusively. Therefore, this variant is classified as a Variant of Uncertain Significance.

This study involves interpretation of variants in research participants for the purpose of population health screening. Participant phenotype was not available at the time of variant classification. Additional details can be found in publication PMID: 35346344, PMCID: PMC8962531

Ambry Genetics
Classification: Uncertain significance for Hereditary cancer-predisposing syndrome. Last evaluated: 2023-12-30. Review status: criteria provided, single submitter. Criteria: Ambry Variant Classification Scheme 2023. Collection method: clinical testing. Allele origin: germline.
Comment: The p.H2147R variant (also known as c.6440A>G), located in coding exon 10 of the BRCA2 gene, results from an A to G substitution at nucleotide position 6440. The histidine at codon 2147 is replaced by arginine, an amino acid with highly similar properties. This amino acid position is conserved. In addition, the in silico prediction for this alteration is inconclusive. Since supporting evidence is limited at this time, the clinical significance of this alteration remains unclear.

Labcorp Genetics (formerly Invitae), Labcorp
Classification: Uncertain significance for Hereditary breast ovarian cancer syndrome. Last evaluated: 2023-06-14. Review status: criteria provided, single submitter. Criteria: Invitae Variant Classification Sherloc (09022015). Collection method: clinical testing. Allele origin: germline.
Comment: In summary, the available evidence is currently insufficient to determine the role of this variant in disease. Therefore, it has been classified as a Variant of Uncertain Significance. Advanced modeling of protein sequence and biophysical properties (such as structural, functional, and spatial information, amino acid conservation, physicochemical variation, residue mobility, and thermodynamic stability) performed at Invitae indicates that this missense variant is not expected to disrupt BRCA2 protein function. ClinVar contains an entry for this variant (Variation ID: 2101746). This variant has not been reported in the literature in individuals affected with BRCA2-related conditions. This variant is not present in population databases (gnomAD no frequency). This sequence change replaces histidine, which is basic and polar, with arginine, which is basic and polar, at codon 2147 of the BRCA2 protein (p.His2147Arg).

University of Washington Department of Laboratory Medicine, University of Washington
Classification: Likely benign for Hereditary cancer-predisposing syndrome. Last evaluated: 2023-03-23. Review status: criteria provided, single submitter. Criteria: Dines et al. (Genet Med. 2020). Collection method: curation. Allele origin: germline.
Comment: Missense variant in a coldspot region where missense variants are very unlikely to be pathogenic (PMID:31911673).

BRCA2 exon 11 coldspot. Reclassification based on statistical prior probability.

Department of Pathology and Laboratory Medicine, Sinai Health System
Classification: Uncertain significance for Familial cancer of breast; Breast-ovarian cancer, familial, susceptibility to, 2. Last evaluated: 2022-04-26. Review status: criteria provided, single submitter. Criteria: ACMG Guidelines, 2015. Collection method: clinical testing. Allele origin: germline. Affected: yes.